The following is an entry in ClinVar:

ClinVar aggregate classification (germline): Conflicting classifications of pathogenicity. Review status: criteria provided, conflicting classifications (1 of 4 stars). 5 submissions from 5 submitters: Uncertain significance (4); Likely benign (1). Last evaluated 2026-07-21.

Conditions:
Inborn genetic diseases. Identifiers: MedGen C0950123, MeSH D030342.
SETX-related disorder. Also called: SETX-related disorders; SETX-related condition. Identifiers: MedGen CN239403.
Amyotrophic lateral sclerosis type 4 (ALS4). Also called: AMYOTROPHIC LATERAL SCLEROSIS 4, JUVENILE; NEURONOPATHY, DISTAL HEREDITARY MOTOR, WITH PYRAMIDAL FEATURES. Identifiers: Orphanet 357043, MedGen C1865409, MONDO:0011223, OMIM 602433.
Spinocerebellar ataxia, autosomal recessive, with axonal neuropathy 2 (SCAN2). Also called: Ataxia with Oculomotor Apraxia; Ataxia-ocular apraxia-2; Ataxia with Oculomotor Apraxia Type 2; ATAXIA-OCULOMOTOR APRAXIA 2. Identifiers: Orphanet 64753, MedGen C1853761, MONDO:0018996, OMIM 606002.

Allele frequency attached by ClinVar (database versions not stated): gnomAD 0.00005; gnomAD exomes 0.00005 and 0.00006; TOPMed 0.00005; ExAC 0.00010; ESP Exome Variant Server 0.00015.
gnomAD v4.1: 80 of 1,614,038 alleles (0.005%); highest among the groups gnomAD compares: Non-Finnish European, 0.0064%; no homozygotes.

Submissions (5):

PreventionGenetics, part of Exact Sciences
Classification: Uncertain significance for SETX-related condition. Last evaluated: 2026-07-21. Review status: criteria provided, single submitter. Criteria: ACMG Guidelines, 2015. Collection method: clinical testing. Allele origin: germline.
Comment: The SETX c.4A>G variant is predicted to result in the amino acid substitution p.Ser2Gly. This variant was reported in a large ALS cohort study; however, additional details to assess pathogenicity were not provided (Supp. eTable 1 in Grassano et al. 2022. PubMed ID: 35896380). This variant is reported in 0.014% of alleles in individuals of European (non-Finnish) descent in gnomAD. At this time, the clinical significance of this variant is uncertain due to the absence of conclusive functional and genetic evidence.

CeGaT Center for Human Genetics Tuebingen
Classification: Uncertain significance. Last evaluated: 2025-12-01. Review status: criteria provided, single submitter. Criteria: CeGaT Center For Human Genetics Tuebingen Variant Classification Criteria Version 2. Collection method: clinical testing. Allele origin: germline. Affected: yes. Observed: 3 variant alleles.

Labcorp Genetics (formerly Invitae), Labcorp
Classification: Likely benign for Amyotrophic lateral sclerosis type 4; Spinocerebellar ataxia, autosomal recessive, with axonal neuropathy 2. Last evaluated: 2024-06-06. Review status: criteria provided, single submitter. Criteria: Invitae Variant Classification Sherloc (09022015). Collection method: clinical testing. Allele origin: germline.

Blueprint Genetics
Classification: Uncertain significance. Last evaluated: 2023-01-12. Review status: criteria provided, single submitter. Criteria: ACMG Guidelines, 2015. Collection method: clinical testing. Allele origin: germline.

Ambry Genetics
Classification: Uncertain significance for Inborn genetic diseases. Last evaluated: 2021-09-02. Review status: criteria provided, single submitter. Criteria: Ambry Variant Classification Scheme 2023. Collection method: clinical testing. Allele origin: germline.
Comment: The p.S2G variant (also known as c.4A>G), located in coding exon 1 of the SETX gene, results from an A to G substitution at nucleotide position 4. The serine at codon 2 is replaced by glycine, an amino acid with similar properties. This amino acid position is highly conserved in available vertebrate species. In addition, the in silico prediction for this alteration is inconclusive. Based on the supporting evidence, this variant is unlikely to be causative of juvenile amyotrophic lateral sclerosis 4 (ALS4); however, its contribution to the development of spinocerebellar ataxia with axonal neuropathy 2 (SCAN2) is uncertain.

NM_015046.7(SETX):c.4A>G (p.Ser2Gly)

Gene: SETX (senataxin; minus strand). Cytogenetic location: 9q34.13.
Variant type: single nucleotide variant.
Coding change: c.4A>G on transcript NM_015046.7 (MANE Select); coding-DNA position 4, A replaced by G.
Protein change: p.Ser2Gly; replaces serine 2 with glycine.
Molecular consequence: missense variant.
Genome position (GRCh38, 1-based): chr9:132,349,425, T>C on the plus strand (A>G on the coding strand, the complement: SETX is on the minus strand). VCF-style: chr9-132349425-T-C. GRCh37 (hg19) VCF-style: chr9-135224812-T-C.
Other names: c.4A>G, p.Ser2Gly (NM_001351527.2, NM_001351528.2); short protein forms S2G.
Identifiers: ClinVar variation 493501 (VCV000493501.53), dbSNP rs149808180, ClinGen allele CA5298157.